The following is an entry in ClinVar:

ClinVar aggregate classification (germline): Uncertain significance (1 of 4 stars; one submission).

Conditions:
Gastrointestinal stromal tumor. Also called: Gastrointestinal stromal tumor, somatic; Gastrointestinal stroma tumor. Identifiers: Orphanet 44890, MedGen C0238198, MeSH D046152, MONDO:0011719, OMIM 606764, HP:0100723.

Allele frequency attached by ClinVar (database versions not stated): gnomAD exomes below 0.00001; ExAC 0.00001.
gnomAD v4.1: 1 of 1,613,468 alleles (0.000062%); highest among the groups gnomAD compares: Non-Finnish European, 0.000085%; no homozygotes.

Submission:

Labcorp Genetics (formerly Invitae), Labcorp
Classification: Uncertain significance for Gastrointestinal stromal tumor. Last evaluated: 2020-07-08. Review status: criteria provided, single submitter. Criteria: Invitae Variant Classification Sherloc (09022015). Collection method: clinical testing. Allele origin: germline.
Comment: This sequence change falls in intron 10 of the KIT gene. It does not directly change the encoded amino acid sequence of the KIT protein, but it affects a nucleotide within the consensus splice site of the intron. This variant is present in population databases (rs770472485, ExAC 0.001%). This variant has not been reported in the literature in individuals with KIT-related conditions. Nucleotide substitutions within the consensus splice site are a relatively common cause of aberrant splicing (PMID: 17576681, 9536098). Algorithms developed to predict the effect of sequence changes on RNA splicing suggest that this variant may disrupt the consensus splice site, but this prediction has not been confirmed by published transcriptional studies. In summary, the available evidence is currently insufficient to determine the role of this variant in disease. Therefore, it has been classified as a Variant of Uncertain Significance.

Literature cited by the submitters: PubMed 17576681; PubMed 9536098.

NM_000222.3(KIT):c.1647+4A>G

Gene: KIT (KIT proto-oncogene, receptor tyrosine kinase; plus strand). Cytogenetic location: 4q12.
Variant type: single nucleotide variant.
Coding change: c.1647+4A>G on transcript NM_000222.3 (MANE Select); 4 bases into the intron after coding-DNA position 1647, A replaced by G.
Molecular consequence: intron variant.
Genome position (GRCh38, 1-based): chr4:54,727,328, A>G. VCF-style: chr4-54727328-A-G. GRCh37 (hg19) VCF-style: chr4-55593494-A-G.
Other names: c.1650+4A>G (NM_001385284.1, NM_001385290.1); c.1638+4A>G (NM_001385288.1, NM_001385292.1); c.1647+4A>G (NM_001385285.1); c.1635+4A>G (NM_001093772.2, NM_001385286.1).
Identifiers: ClinVar variation 1024148 (VCV001024148.7), dbSNP rs770472485, ClinGen allele CA2923541.